The following is an entry in ClinVar:

NM_147127.5(EVC2):c.2607C>G (p.Pro869=)

Gene: EVC2 (EvC ciliary complex subunit 2; minus strand). Cytogenetic location: 4p16.2.
Variant type: single nucleotide variant.
Coding change: c.2607C>G on transcript NM_147127.5 (MANE Select); coding-DNA position 2607, C replaced by G.
Protein change: p.Pro869=; no amino-acid change (proline 869 retained).
Molecular consequence: synonymous variant.
Genome position (GRCh38, 1-based): chr4:5,618,577, G>C on the plus strand (C>G on the coding strand, the complement: EVC2 is on the minus strand). VCF-style: chr4-5618577-G-C. GRCh37 (hg19) VCF-style: chr4-5620304-G-C.
Other names: c.2367C>G, p.Pro789= (NM_001166136.2); c.2607C>G (NM_147127.4).
Identifiers: ClinVar variation 1117411 (VCV001117411.13), dbSNP rs752513992, ClinGen allele CA2834653.

ClinVar aggregate classification (germline): Likely benign. Review status: criteria provided, multiple submitters, no conflicts (2 of 4 stars). 3 submissions from 3 submitters: Likely benign (2). 1 of the submissions does not count toward it. Last evaluated 2024-10-01.

Conditions:
EVC2-related disorder. Also called: EVC2-related condition.
Ellis-van Creveld syndrome (EVC). Also called: MESOECTODERMAL DYSPLASIA; Chondroectodermal dysplasia. Identifiers: Orphanet 289, MedGen C0013903, MONDO:0009162, OMIM 225500.
Curry-Hall syndrome (WAD). Also called: WEYERS ACRODENTAL DYSOSTOSIS. Identifiers: Orphanet 952, MedGen C0457013, MONDO:0008673, OMIM 193530.

Allele frequency attached by ClinVar (database versions not stated): gnomAD 0.00001; ExAC 0.00002.
gnomAD v4.1: 28 of 1,614,032 alleles (0.0017%); highest among the groups gnomAD compares: Non-Finnish European, 0.0019%; no homozygotes.

Submissions (3):

Blueprint Genetics
Classification: Likely benign. Last evaluated: 2024-10-01. Review status: criteria provided, single submitter. Criteria: ACMG Guidelines, 2015. Collection method: clinical testing. Allele origin: germline.

Labcorp Genetics (formerly Invitae), Labcorp
Classification: Likely benign for Curry-Hall syndrome; Ellis-van Creveld syndrome. Last evaluated: 2023-08-30. Review status: criteria provided, single submitter. Criteria: Invitae Variant Classification Sherloc (09022015). Collection method: clinical testing. Allele origin: germline.

PreventionGenetics, part of Exact Sciences
Classification: Likely benign for EVC2-related condition. Last evaluated: 2022-08-16. Review status: no assertion criteria provided. Collection method: clinical testing. Allele origin: germline. Not counted in ClinVar's aggregate classification.
Comment: This variant is classified as likely benign based on ACMG/AMP sequence variant interpretation guidelines (Richards et al. 2015 PMID: 25741868, with internal and published modifications).